The following is an entry in ClinVar:

NM_000075.4(CDK4):c.851T>C (p.Ile284Thr)

Genes: CDK4 (cyclin dependent kinase 4; minus strand), TSPAN31 (tetraspanin 31; plus strand). Cytogenetic location: 12q14.1.
Variant type: single nucleotide variant.
Coding change: c.851T>C on transcript NM_000075.4 (MANE Select); coding-DNA position 851, T replaced by C.
Protein change: p.Ile284Thr; replaces isoleucine 284 with threonine.
Molecular consequence: missense variant. On other transcripts: 3 prime UTR variant (3).
Genome position (GRCh38, 1-based): chr12:57,748,586, A>G on the plus strand (T>C on the coding strand, the complement: CDK4 is on the minus strand). VCF-style: chr12-57748586-A-G. GRCh37 (hg19) VCF-style: chr12-58142369-A-G.
Other names: c.*1296A>G (NM_001330168.2, NM_001330169.2, NM_005981.5); short protein forms I284T.
Identifiers: ClinVar variation 232210 (VCV000232210.17), dbSNP rs751365131, ClinGen allele CA6657625.

ClinVar aggregate classification (germline): Uncertain significance. Review status: criteria provided, multiple submitters, no conflicts (2 of 4 stars). 3 submissions from 3 submitters: Uncertain significance (3). Last evaluated 2025-08-07.

Conditions:
Hereditary cancer-predisposing syndrome. Also called: Neoplastic Syndromes, Hereditary; Tumor predisposition; Hereditary Cancer Syndrome; Hereditary neoplastic syndrome. Identifiers: Orphanet 140162, MedGen C0027672, MeSH D009386, MONDO:0015356.
Familial melanoma. Also called: Hereditary melanoma; Hereditary cutaneous melanoma. Identifiers: Orphanet 618, MedGen C1512419, MONDO:0018961.

Allele frequency attached by ClinVar (database versions not stated): gnomAD exomes below 0.00001 and 0.00001; ExAC 0.00001.
gnomAD v4.1: 13 of 1,613,856 alleles (0.00081%); highest among the groups gnomAD compares: Non-Finnish European, 0.001%; no homozygotes.

Submissions (3):

Labcorp Genetics (formerly Invitae), Labcorp
Classification: Uncertain significance for Familial melanoma. Last evaluated: 2025-08-07. Review status: criteria provided, single submitter. Criteria: Invitae Variant Classification Sherloc (09022015). Collection method: clinical testing. Allele origin: germline.
Comment: This sequence change replaces isoleucine, which is neutral and non-polar, with threonine, which is neutral and polar, at codon 284 of the CDK4 protein (p.Ile284Thr). This variant is present in population databases (rs751365131, gnomAD 0.0009%). This variant has not been reported in the literature in individuals affected with CDK4-related conditions. ClinVar contains an entry for this variant (Variation ID: 232210). An algorithm developed to predict the effect of missense changes on protein structure and function (PolyPhen-2) suggests that this variant is likely to be tolerated. In summary, the available evidence is currently insufficient to determine the role of this variant in disease. Therefore, it has been classified as a Variant of Uncertain Significance.

Ambry Genetics
Classification: Uncertain significance for Hereditary cancer-predisposing syndrome. Last evaluated: 2025-04-11. Review status: criteria provided, single submitter. Criteria: Ambry Variant Classification Scheme 2023. Collection method: clinical testing. Allele origin: germline.
Comment: The p.I284T variant (also known as c.851T>C), located in coding exon 7 of the CDK4 gene, results from a T to C substitution at nucleotide position 851. The isoleucine at codon 284 is replaced by threonine, an amino acid with similar properties. This amino acid position is well conserved in available vertebrate species. In addition, the in silico prediction for this alteration is inconclusive. Since supporting evidence is limited at this time, the clinical significance of this alteration remains unclear.

Center for Genomic Medicine, Rigshospitalet, Copenhagen University Hospital
Classification: Uncertain significance. Last evaluated: 2025-03-04. Review status: criteria provided, single submitter. Criteria: ACMG Guidelines, 2015. Collection method: clinical testing. Allele origin: germline.